The following is an entry in ClinVar:

ClinVar aggregate classification (germline): Pathogenic. Review status: criteria provided, multiple submitters, no conflicts (2 of 4 stars). 7 submissions from 7 submitters: Pathogenic (5). 2 of the submissions do not count toward it. Last evaluated 2025-03-18.

Conditions:
Cohen syndrome (COH1). Also called: PEPPER SYNDROME; Cutis verticis gyrata, retinitis pigmentosa, and sensorineural deafness. Identifiers: Orphanet 193, MedGen C0265223, MONDO:0008999, OMIM 216550.

Submissions (7):

Labcorp Genetics (formerly Invitae), Labcorp
Classification: Pathogenic for Cohen syndrome. Last evaluated: 2025-03-18. Review status: criteria provided, single submitter. Criteria: Invitae Variant Classification Sherloc (09022015). Collection method: clinical testing. Allele origin: germline.
Comment: This sequence change creates a premature translational stop signal (p.Leu3487Profs*24) in the VPS13B gene. It is expected to result in an absent or disrupted protein product. Loss-of-function variants in VPS13B are known to be pathogenic (PMID: 15141358, 16648375, 20461111). This variant is present in population databases (rs746694263, gnomAD 0.003%). This premature translational stop signal has been observed in individual(s) with Cohen syndrome (PMID: 16648375). ClinVar contains an entry for this variant (Variation ID: 68080). For these reasons, this variant has been classified as Pathogenic.

Natera, Inc.
Classification: Pathogenic for Cohen syndrome. Last evaluated: 2024-04-18. Review status: criteria provided, single submitter. Criteria: Natera Variant Classification Schema (03/2026). Collection method: clinical testing. Allele origin: germline.
Comment: The c.10456_10457delAG variant in VPS13B is a frameshift variant predicted to shift the reading frame beginning at codon 3487 and leads to a stop codon 24 codons downstream. This variant is expected to result in nonsense mediated decay, truncation, or a dysfunctional protein product. This variant is rare in the general population with a frequency below the threshold expected for the associated phenotype(s). This variant has been observed in one or more individuals affected with the associated recessive disease, as either homozygous or compound heterozygous with a second variant (PMID: 16648375). Given the available evidence, this variant is classified as Pathogenic.

Fulgent Genetics
Classification: Pathogenic for Cohen syndrome. Last evaluated: 2024-02-08. Review status: criteria provided, single submitter. Criteria: ACMG Guidelines, 2015. Collection method: clinical testing. Allele origin: germline.

Women's Health and Genetics/Laboratory Corporation of America, LabCorp
Classification: Pathogenic for Cohen syndrome. Last evaluated: 2022-11-03. Review status: criteria provided, single submitter. Criteria: LabCorp Variant Classification Summary - May 2015. Collection method: clinical testing. Allele origin: germline.
Comment: Variant summary: VPS13B c.10456_10457delAG (p.Leu3487ProfsX24) results in a premature termination codon, predicted to cause a truncation of the encoded protein or absence of the protein due to nonsense mediated decay, which are commonly known mechanisms for disease. Truncations downstream of this position have been classified as pathogenic by our laboratory. The variant allele was found at a frequency of 4e-06 in 251474 control chromosomes. c.10456_10457delAG has been reported in the literature in at least one individual affected with Cohen Syndrome. These data indicate that the variant may be associated with disease. To our knowledge, no experimental evidence demonstrating an impact on protein function has been reported. Two clinical diagnostic laboratories have submitted clinical-significance assessments for this variant to ClinVar after 2014 without evidence for independent evaluation. Both laboratories classified the variant as pathogenic/likely pathogenic. Based on the evidence outlined above, the variant was classified as pathogenic.

Revvity Omics, Revvity
Classification: Pathogenic for Cohen syndrome. Last evaluated: 2021-05-17. Review status: criteria provided, single submitter. Criteria: ACMG Guidelines, 2015. Collection method: clinical testing. Allele origin: germline.

Counsyl
Classification: Likely pathogenic for Cohen syndrome. Last evaluated: 2016-05-23. Review status: no assertion criteria provided. Collection method: clinical testing. Allele origin: unknown. Not counted in ClinVar's aggregate classification.

SNPedia
Classification: Pathogenic. Review status: no assertion criteria provided. Collection method: not provided. Allele origin: germline. Not counted in ClinVar's aggregate classification.
ClinVar note: Converted during submission from pathogenic to Pathogenic.

Literature cited by the submitters: PubMed 15141358 (cited by Labcorp Genetics (formerly Invitae), Labcorp); PubMed 16648375 (cited by 4 submitters); PubMed 20461111 (cited by Labcorp Genetics (formerly Invitae), Labcorp).

NM_152564.5(VPS13B):c.10381_10382del (p.Leu3462fs)

Gene: VPS13B (vacuolar protein sorting 13 homolog B; plus strand). Cytogenetic location: 8q22.2.
Variant type: Microsatellite.
Coding change: c.10381_10382del on transcript NM_152564.5 (MANE Select); coding-DNA positions 10381 to 10382, 2 bases deleted (AG; older notation c.10381_10382delAG).
Protein change: p.Leu3462fs; shifts the reading frame from leucine 3462.
Molecular consequence: frameshift variant.
Genome position (GRCh38, 1-based): chr8:99,853,770-99,853,771, AG deleted; deleting any 2 consecutive bases within chr8:99,853,768-99,853,771 gives the same sequence; the c. name uses the placement nearest the transcript's 3' end. VCF-style (leftmost placement, unchanged base first): chr8-99853767-CAG-C. GRCh37 (hg19) VCF-style: chr8-100865995-CAG-C.
Other names: c.10456_10457delAG (NM_017890.4); c.10456_10457del, p.Leu3487fs (NM_017890.5); short protein forms L3487fs, L3462fs.
Identifiers: ClinVar variation 68080 (VCV000068080.14), dbSNP rs180177371, ClinGen allele CA284769.